The following is an entry in ClinVar:

NM_014363.6(SACS):c.8468G>T (p.Arg2823Ile)

Gene: SACS (sacsin molecular chaperone; minus strand). Cytogenetic location: 13q12.12.
Variant type: single nucleotide variant.
Coding change: c.8468G>T on transcript NM_014363.6 (MANE Select); coding-DNA position 8468, G replaced by T.
Protein change: p.Arg2823Ile; replaces arginine 2823 with isoleucine.
Molecular consequence: missense variant.
Genome position (GRCh38, 1-based): chr13:23,335,408, C>A on the plus strand (G>T on the coding strand, the complement: SACS is on the minus strand). VCF-style: chr13-23335408-C-A. GRCh37 (hg19) VCF-style: chr13-23909547-C-A.
Other names: c.8027G>T, p.Arg2676Ile (NM_001278055.2); short protein forms R2676I, R2823I.
Identifiers: ClinVar variation 3388276 (VCV003388276.14).

ClinVar aggregate classification (germline): Uncertain significance (1 of 4 stars; one submission).

Submission:

CeGaT Center for Human Genetics Tuebingen
Classification: Uncertain significance. Last evaluated: 2024-11-01. Review status: criteria provided, single submitter. Criteria: CeGaT Center For Human Genetics Tuebingen Variant Classification Criteria Version 2. Collection method: clinical testing. Allele origin: germline. Affected: yes. Observed: 1 variant allele.
Comment: SACS: PM2